The following is an entry in ClinVar:

NM_138773.4(SLC25A46):c.436A>G (p.Ile146Val)

Gene: SLC25A46 (solute carrier family 25 member 46; plus strand). Cytogenetic location: 5q22.1.
Variant type: single nucleotide variant.
Coding change: c.436A>G on transcript NM_138773.4 (MANE Select); coding-DNA position 436, A replaced by G.
Protein change: p.Ile146Val; replaces isoleucine 146 with valine.
Molecular consequence: missense variant. On other transcripts: non-coding transcript variant (1).
Genome position (GRCh38, 1-based): chr5:110,746,320, A>G. VCF-style: chr5-110746320-A-G. GRCh37 (hg19) VCF-style: chr5-110082021-A-G.
Other names: c.436A>G, p.Ile146Val (NM_001303249.3); c.163A>G, p.Ile55Val (NM_001303250.3); c.436A>G (NM_138773.2); short protein forms I146V, I55V.
Identifiers: ClinVar variation 1415659 (VCV001415659.4), dbSNP rs770525652, ClinGen allele CA3364594.

ClinVar aggregate classification (germline): Uncertain significance. Review status: criteria provided, multiple submitters, no conflicts (2 of 4 stars). 2 submissions from 2 submitters: Uncertain significance (2). Last evaluated 2024-01-19.

Conditions:
Neuropathy, hereditary motor and sensory, type 6B (HMSN6B). Also called: HMSN VIB; CHARCOT-MARIE-TOOTH DISEASE, TYPE 6B; Neuropathy, hereditary motor and sensory, type VIB; NEUROPATHY, HEREDITARY MOTOR AND SENSORY, TYPE VIB, WITH OPTIC ATROPHY. Identifiers: MedGen C4225302, MONDO:0014671, OMIM 616505.

Allele frequency attached by ClinVar (database versions not stated): ExAC 0.00001; gnomAD 0.00001; gnomAD exomes 0.00001 and 0.00003; TOPMed 0.00002.
gnomAD v4.1: 40 of 1,591,514 alleles (0.0025%); highest among the groups gnomAD compares: Non-Finnish European, 0.0032%; no homozygotes.

Submissions (2):

GeneDx
Classification: Uncertain significance. Last evaluated: 2024-01-19. Review status: criteria provided, single submitter. Criteria: GeneDx Variant Classification Process June 2021. Collection method: clinical testing. Allele origin: germline. Affected: yes.
Comment: Not observed at significant frequency in large population cohorts (gnomAD); In silico analysis supports that this missense variant does not alter protein structure/function; Has not been previously published as pathogenic or benign to our knowledge

Labcorp Genetics (formerly Invitae), Labcorp
Classification: Uncertain significance for Neuropathy, hereditary motor and sensory, type 6B. Last evaluated: 2021-11-27. Review status: criteria provided, single submitter. Criteria: Invitae Variant Classification Sherloc (09022015). Collection method: clinical testing. Allele origin: germline.
Comment: This sequence change replaces isoleucine, which is neutral and non-polar, with valine, which is neutral and non-polar, at codon 146 of the SLC25A46 protein (p.Ile146Val). This variant is present in population databases (rs770525652, gnomAD 0.003%). This variant has not been reported in the literature in individuals affected with SLC25A46-related conditions. Algorithms developed to predict the effect of missense changes on protein structure and function (SIFT, PolyPhen-2, Align-GVGD) all suggest that this variant is likely to be tolerated. In summary, the available evidence is currently insufficient to determine the role of this variant in disease. Therefore, it has been classified as a Variant of Uncertain Significance.